The following is an entry in ClinVar:

ClinVar aggregate classification (germline): Benign. Review status: criteria provided, multiple submitters, no conflicts (2 of 4 stars). 2 submissions from 2 submitters: Benign (2). Last evaluated 2018-06-14.

Allele frequency attached by ClinVar (database versions not stated): 1000 Genomes Project 30x 0.09744; 1000 Genomes Project 0.10004; TOPMed 0.11320; gnomAD 0.11682 and 0.11768; ExAC 0.13887; gnomAD exomes 0.14080 and 0.15309.
gnomAD v4.1: 237,683 of 1,591,564 alleles (15%); highest among the groups gnomAD compares: South Asian, 16%; 18,879 homozygotes.

Submissions (2):

GeneDx
Classification: Benign. Last evaluated: 2018-06-14. Review status: criteria provided, single submitter. Criteria: GeneDx Variant Classification (06012015). Collection method: clinical testing. Allele origin: germline. Affected: yes.
Comment: This variant is considered likely benign or benign based on one or more of the following criteria: it is a conservative change, it occurs at a poorly conserved position in the protein, it is predicted to be benign by multiple in silico algorithms, and/or has population frequency not consistent with disease.

Breakthrough Genomics
Classification: Benign. Review status: criteria provided, single submitter. Criteria: ACMG Guidelines, 2015. Collection method: not provided. Allele origin: germline. Inheritance: Autosomal recessive inheritance. Affected: yes.

NM_004544.4(NDUFA10):c.669+77C>T

Gene: NDUFA10 (NADH:ubiquinone oxidoreductase subunit A10; minus strand). Cytogenetic location: 2q37.3.
Variant type: single nucleotide variant.
Coding change: c.669+77C>T on transcript NM_004544.4 (MANE Select); 77 bases into the intron after coding-DNA position 669, C replaced by T.
Molecular consequence: intron variant. On other transcripts: non-coding transcript variant (4).
Genome position (GRCh38, 1-based): chr2:240,014,662, G>A on the plus strand (C>T on the coding strand, the complement: NDUFA10 is on the minus strand). VCF-style: chr2-240014662-G-A. GRCh37 (hg19) VCF-style: chr2-240954079-G-A.
Other names: c.669+77C>T (NM_001322020.2, NM_001322019.2).
Identifiers: ClinVar variation 671558 (VCV000671558.2), dbSNP rs11693245, ClinGen allele CA2200909.